The following is an entry in ClinVar:

NM_001130144.3(LTBP3):c.3338T>G (p.Val1113Gly)

Genes: LTBP3 (latent transforming growth factor beta binding protein 3; minus strand), LOC130006027 (ATAC-STARR-seq lymphoblastoid silent region 3530; plus strand). Cytogenetic location: 11q13.1.
Variant type: single nucleotide variant.
Coding change: c.3338T>G on transcript NM_001130144.3 (MANE Select); coding-DNA position 3338, T replaced by G.
Protein change: p.Val1113Gly; replaces valine 1113 with glycine.
Molecular consequence: missense variant. On other transcripts: intron variant (2).
Genome position (GRCh38, 1-based): chr11:65,540,060, A>C on the plus strand (T>G on the coding strand, the complement: LTBP3 is on the minus strand). VCF-style: chr11-65540060-A-C. GRCh37 (hg19) VCF-style: chr11-65307531-A-C.
Other names: c.2894-179T>G (NM_001164266.1); c.3245-179T>G (NM_021070.4); short protein forms V1113G.
Identifiers: ClinVar variation 3541068 (VCV003541068.1).
Genomic context (GRCh38, chr11:65,540,060, plus strand): 5'-CCCTCGCCCTCACCGGCCGGGCTCTCGGGGAGCTGGCAATCGCGGCCGGAGGGCCCGGGC[A>C]CCCAGGGCGGGCGACACTCGCAGCGGTAGGAGCCCGGCAGGTTGACGCAGCGGCCAGGGC-3'
Protein context (NP_001123616.1, residues 1103-1123): SYRCECRPPW[Val1113Gly]PGPSGRDCQL

ClinVar aggregate classification (germline): Uncertain significance (1 of 4 stars; one submission).

Conditions:
Inborn genetic diseases. Identifiers: MedGen C0950123, MeSH D030342.

gnomAD v4.1: 3 of 1,521,882 alleles (0.0002%); highest among the groups gnomAD compares: African/African-American, 0.0042%; no homozygotes.

Submission:

Ambry Genetics
Classification: Uncertain significance for Inborn genetic diseases. Last evaluated: 2024-07-25. Review status: criteria provided, single submitter. Criteria: Ambry Variant Classification Scheme 2023. Collection method: clinical testing. Allele origin: germline.
Comment: The p.V1113G variant (also known as c.3338T>G), located in coding exon 24 of the LTBP3 gene, results from a T to G substitution at nucleotide position 3338. The valine at codon 1113 is replaced by glycine, an amino acid with dissimilar properties. This amino acid position is conserved. In addition, the in silico prediction for this alteration is inconclusive. Based on the available evidence, the clinical significance of this variant remains unclear.